The following is an entry in ClinVar:

NM_021738.3(SVIL):c.160G>A (p.Gly54Ser)

Gene: SVIL (supervillin; minus strand). Cytogenetic location: 10p11.23.
Variant type: single nucleotide variant.
Coding change: c.160G>A on transcript NM_021738.3 (MANE Select); coding-DNA position 160, G replaced by A.
Protein change: p.Gly54Ser; replaces glycine 54 with serine.
Molecular consequence: missense variant.
Genome position (GRCh38, 1-based): chr10:29,554,783, C>T on the plus strand (G>A on the coding strand, the complement: SVIL is on the minus strand). VCF-style: chr10-29554783-C-T. GRCh37 (hg19) VCF-style: chr10-29843712-C-T.
Other names: NC_000010.10:g.29843712C>T; c.160G>A, p.Gly54Ser (NM_001323599.2, NM_001323600.1, NM_003174.3); short protein forms G54S.
Identifiers: ClinVar variation 3352508 (VCV003352508.2).

ClinVar aggregate classification (germline): Uncertain significance (0 of 4 stars; one submission).

Conditions:
SVIL-related disorder. Also called: SVIL-related condition.

gnomAD v4.1: 50 of 1,588,678 alleles (0.0031%); highest among the groups gnomAD compares: Non-Finnish European, 0.0038%; no homozygotes.

Submissions (2):

PreventionGenetics, part of Exact Sciences
Classification: Uncertain significance for SVIL-related condition. Last evaluated: 2024-08-02. Review status: no assertion criteria provided. Collection method: clinical testing. Allele origin: germline.
Comment: The SVIL c.160G>A variant is predicted to result in the amino acid substitution p.Gly54Ser. To our knowledge, this variant has not been reported in the literature. This variant is reported in 0.0041% of alleles in individuals of African descent in gnomAD. At this time, the clinical significance of this variant is uncertain due to the absence of conclusive functional and genetic evidence.

Dr. Peter K. Rogan Lab, Western University
No classification provided (evidence only). Condition: Familial cancer of breast. Review status: no classification provided. Collection method: in vitro. Allele origin: not applicable. Functional consequence: retained intron. Not counted in ClinVar's aggregate classification.